The following is an entry in ClinVar:

ClinVar aggregate classification (germline): Uncertain significance. Review status: criteria provided, multiple submitters, no conflicts (2 of 4 stars). 2 submissions from 2 submitters: Uncertain significance (2). Last evaluated 2025-04-01.

Conditions:
Brugada syndrome. Also called: Sudden unexplained nocturnal death syndrome; Sudden Unexplained Death Syndrome; Sudden Unexplained Nocturnal Death Syndrome (SUNDS); Sudden unexpected nocturnal death syndrome. Identifiers: Orphanet 130, MedGen C1142166, MONDO:0015263.

Allele frequency attached by ClinVar (database versions not stated): ExAC 0.00001; gnomAD 0.00001; gnomAD exomes 0.00001 and 0.00002; TOPMed 0.00002.
gnomAD v4.1: 26 of 1,601,514 alleles (0.0016%); highest among the groups gnomAD compares: Non-Finnish European, 0.0021%; no homozygotes.

Submissions (2):

Ambry Genetics
Classification: Uncertain significance. Last evaluated: 2025-04-01. Review status: criteria provided, single submitter. Criteria: Ambry Variant Classification Scheme 2023. Collection method: clinical testing. Allele origin: germline.

Labcorp Genetics (formerly Invitae), Labcorp
Classification: Uncertain significance for Brugada syndrome. Last evaluated: 2023-11-25. Review status: criteria provided, single submitter. Criteria: Invitae Variant Classification Sherloc (09022015). Collection method: clinical testing. Allele origin: germline.
Comment: This sequence change replaces arginine, which is basic and polar, with cysteine, which is neutral and slightly polar, at codon 138 of the SLMAP protein (p.Arg138Cys). This variant is present in population databases (rs748820617, gnomAD 0.003%). This variant has not been reported in the literature in individuals affected with SLMAP-related conditions. ClinVar contains an entry for this variant (Variation ID: 1024832). An algorithm developed to predict the effect of missense changes on protein structure and function (PolyPhen-2) suggests that this variant is likely to be disruptive. In summary, the available evidence is currently insufficient to determine the role of this variant in disease. Therefore, it has been classified as a Variant of Uncertain Significance.

NM_001377540.1(SLMAP):c.412C>T (p.Arg138Cys)

Gene: SLMAP (sarcolemma associated protein; plus strand). Cytogenetic location: 3p14.3.
Variant type: single nucleotide variant.
Coding change: c.412C>T on transcript NM_001377540.1 (MANE Select); coding-DNA position 412, C replaced by T.
Protein change: p.Arg138Cys; replaces arginine 138 with cysteine.
Molecular consequence: missense variant. On other transcripts: non-coding transcript variant (1).
Genome position (GRCh38, 1-based): chr3:57,841,364, C>T. VCF-style: chr3-57841364-C-T. GRCh37 (hg19) VCF-style: chr3-57827091-C-T.
Other names: c.412C>T, p.Arg138Cys (NM_001304420.3, NM_001304421.2, NM_001377538.1 and 17 more transcripts); c.412C>T (NM_007159.2); short protein forms R138C.
Identifiers: ClinVar variation 1024832 (VCV001024832.6), dbSNP rs748820617, ClinGen allele CA2466797.